The following is an entry in ClinVar:

ClinVar aggregate classification (germline): Pathogenic/Likely pathogenic. Review status: criteria provided, multiple submitters, no conflicts (2 of 4 stars). 32 submissions from 31 submitters: Pathogenic (28); Likely pathogenic (1). 3 of the submissions do not count toward it. Last evaluated 2026-05-26.

Conditions:
MYBPC3-related disorder. Also called: MYBPC3-related disorders; MYBPC3-related condition; MYBPC3-related disease.
Left ventricular noncompaction 10 (LVNC10). Identifiers: Orphanet 154, Orphanet 54260, MedGen C3715165, MONDO:0014163, OMIM 615396.
Cardiovascular phenotype. Identifiers: MedGen CN230736.
Cardiomyopathy (CMYO). Also called: Cardiomyopathies. Identifiers: Orphanet 167848, MedGen C0878544, MONDO:0004994, HP:0001638. Inheritance: Various modes of inheritance.
Dilated cardiomyopathy 1R (CMD1R). Identifiers: Orphanet 154, Orphanet 54260, MedGen C3150681, MONDO:0013261, OMIM 613424.
SUDDEN INFANT DEATH SYNDROME (SIDS). Also called: Sudden Infant Death. Identifiers: MedGen C0038644, MeSH D013398, OMIM 272120.
Primary dilated cardiomyopathy (DCM). Also called: Dilated Cardiomyopathy. Identifiers: Orphanet 217604, MedGen C0007193, MeSH D002311, MONDO:0005021, HP:0001644. Inheritance: Various modes of inheritance.
Hypertrophic cardiomyopathy 4. Also called: Familial hypertrophic cardiomyopathy 4. Identifiers: MedGen C1861862, MONDO:0007268, OMIM 115197.
Primary familial hypertrophic cardiomyopathy (HCM). Identifiers: Orphanet 99739, MedGen C0949658, MeSH D024741, MONDO:0024573. Inheritance: Various modes of inheritance.
Hypertrophic cardiomyopathy. Also called: HYPERTROPHIC MYOCARDIOPATHY. Identifiers: Orphanet 217569, MedGen C0007194, MeSH D002312, MONDO:0005045, HP:0001639.

Allele frequency attached by ClinVar (database versions not stated): gnomAD exomes 0.00001 and 0.00003; ExAC 0.00004; TOPMed below 0.00001; gnomAD 0.00001.
gnomAD v4.1: 8 of 1,564,892 alleles (0.00051%); highest among the groups gnomAD compares: South Asian, 0.0024%; no homozygotes.

Submissions 1 to 9 of 32:

Institute of Human Genetics, University of Leipzig Medical Center
Classification: Pathogenic for Dilated cardiomyopathy 1R. Last evaluated: 2026-05-26. Review status: criteria provided, single submitter. Criteria: ACMG Guidelines, 2015. Collection method: clinical testing. Allele origin: unknown. Inheritance: Autosomal dominant inheritance. Affected: yes.
Comment: Criteria applied: PVS1,PS1,PS4,PP1_MOD,PM2_SUP

PreventionGenetics, part of Exact Sciences
Classification: Pathogenic for MYBPC3-related condition. Last evaluated: 2026-04-04. Review status: criteria provided, single submitter. Criteria: ACMG Guidelines, 2015. Collection method: clinical testing. Allele origin: germline.
Comment: The MYBPC3 c.821+1G>A variant is predicted to disrupt the GT donor site and interfere with normal splicing. This variant was reported in multiple patients with hypertrophic cardiomyopathy (Niimura et al. 1998. PubMed ID: 9562578; Table S1A, Walsh et al. 2017. PubMed ID: 27532257; Lu et al. 2018. PubMed ID: 30165862; O'Hare et al. 2020. PubMed ID: 33190526). mRNA studies in patients’ lymphocytes confirmed the aberrant splicing (Erdmann et al. 2001. PubMed ID: 11499719). This variant is reported in 0.0081% of alleles in individuals of East Asian descent in gnomAD. Variants that disrupt the consensus splice donor site in MYBPC3 are expected to be pathogenic. This variant is interpreted as pathogenic.

Labcorp Genetics (formerly Invitae), Labcorp
Classification: Pathogenic for Hypertrophic cardiomyopathy. Last evaluated: 2026-01-27. Review status: criteria provided, single submitter. Criteria: Invitae Variant Classification Sherloc (09022015). Collection method: clinical testing. Allele origin: germline.
Comment: This sequence change affects a donor splice site in intron 7 of the MYBPC3 gene. RNA analysis indicates that disruption of this splice site induces altered splicing and may result in an absent or altered protein product. This variant is present in population databases (rs397516073, gnomAD 0.009%). Disruption of this splice site has been observed in individual(s) with hypertrophic cardiomyopathy (PMID: 9562578, 11499718, 11499719, 15519027, 26914223). It has also been observed to segregate with disease in related individuals. This variant is also known as Int8DSG+1A and IVS7+1G>A. ClinVar contains an entry for this variant (Variation ID: 42791). Studies have shown that disruption of this splice site results in skipping of exon 7 alone or skipping of exons 7 and 8, and produces a non-functional protein and/or introduces a premature termination codon (PMID: 11499719). For these reasons, this variant has been classified as Pathogenic.

Institute of Immunology and Genetics Kaiserslautern
Classification: Pathogenic for Left ventricular noncompaction 10. Last evaluated: 2026-01-26. Review status: criteria provided, single submitter. Criteria: ACMG Guidelines, 2015. Collection method: clinical testing. Allele origin: germline. Affected: yes.
Comment: ACMG Criteria: PVS1, PS4, PM2_P, PP1; Variant was found in heterozygous state.

Color Diagnostics, LLC DBA Color Health
Classification: Pathogenic for Cardiomyopathy. Last evaluated: 2025-10-07. Review status: criteria provided, single submitter. Criteria: ACMG Guidelines, 2015. Collection method: clinical testing. Allele origin: germline.
Comment: This variant causes a G to A nucleotide substitution at +1 position in intron 7 canonical splice donor site of the MYBPC3 gene. This variant is also known as IVS7+1G>A and as Int8DSG+1A in the literature. Functional RNA studies have shown that this variant causes skipping of exon 7, or exons 7 and 8, leading to frameshift and a premature stop codon in exon 9 (PMID: 11499719). This variant has been reported in over ten unrelated individuals affected with hypertrophic cardiomyopathy (PMID: 9562578, 11499718, 11499719, 21959974, 24510615, 26914223, 27532257, 29121657, 30165862) and has been shown to segregate with disease in multiple affected individuals from two families (PMID: 9562578, 11499719). This variant has also been reported in an infant affected with sudden unexplained death (PMID: 35027292) and in an individual affected with dilated cardiomyopathy (PMID: 35581137). This variant has been identified in 8/1564892 chromosomes in the general population by the Genome Aggregation Database (gnomAD). Loss of MYBPC3 function is a known mechanism of disease. Based on the available evidence, this variant is classified as Pathogenic.

3billion
Classification: Pathogenic for Hypertrophic cardiomyopathy 4. Last evaluated: 2025-08-18. Review status: criteria provided, single submitter. Criteria: ACMG Guidelines, 2015. Collection method: clinical testing. Allele origin: germline. Affected: yes.
Comment: The variant is observed at an extremely low frequency in the gnomAD v4.1.0 dataset (total allele frequency: <0.001%). Predicted Consequence/Location: Canonical splice site: predicted to alter splicing and result in a loss or disruption of normal protein function. Multiple pathogenic loss-of-function variants are reported downstream of the variant. In silico tools predict the variant to alter splicing and produce an abnormal transcript [SpliceAI: 0.87 (spliceogenicity >=0.2, non-spliceogenicity <0.1)]. The variant has been observed in multiple (>3) similarly affected unrelated individuals (PMID: 11499719, 22267749, 2552433, 26914223, 30165862, 31737537). The variant has been reported at least twice as pathogenic with clinical assertions and evidence for the classification (ClinVar ID: VCV000042791 /PMID: 9562578 /3billion dataset). Therefore, this variant is classified as Pathogenic according to the recommendation of ACMG/AMP guideline.

CeGaT Center for Human Genetics Tuebingen
Classification: Pathogenic. Last evaluated: 2025-08-01. Review status: criteria provided, single submitter. Criteria: CeGaT Center For Human Genetics Tuebingen Variant Classification Criteria Version 2. Collection method: clinical testing. Allele origin: germline. Affected: yes. Observed: 2 variant alleles.
Comment: MYBPC3: PVS1, PS4, PM2

Institute of Human Genetics, University of Leipzig Medical Center
Classification: Pathogenic for Hypertrophic cardiomyopathy 4. Last evaluated: 2025-07-17. Review status: criteria provided, single submitter. Criteria: ACMG Guidelines, 2015. Collection method: clinical testing. Allele origin: unknown. Inheritance: Autosomal dominant inheritance. Affected: yes.
Comment: the same text as in the submission from Institute of Human Genetics, University of Leipzig Medical Center above.

ARUP Laboratories, Molecular Genetics and Genomics, ARUP Laboratories
Classification: Pathogenic. Last evaluated: 2025-03-03. Review status: criteria provided, single submitter. Criteria: ARUP Molecular Germline Variant Investigation Process 2024. Collection method: clinical testing. Allele origin: germline.
Comment: The MYBPC3 c.821+1G>A variant (rs397516073), also known as IVS7+1G>A and Int8DSG+1A, is reported in the literature in multiple individuals affected with hypertrophic cardiomyopathy and segregated with disease in multiple families (Erdmann 2001, Maron 2001, Murphy 2016, Van Driest 2004). This variant is also reported in ClinVar (Variation ID: 42791) and is found in the general population with an allele frequency of 0.003% (5/172994 alleles) in the Genome Aggregation Database (v2.1.1). This variant disrupts the canonical splice donor site of intron 7, and experimental evidence found this variant leads to two aberrant transcripts with skipping of either exon 7 alone or skipping of exons 7 and 8. Both transcripts lead to premature stop codons in exon 9 (Erdmann 2001). Based on available information, this variant is considered to be pathogenic. References: Erdmann J et al. Spectrum of clinical phenotypes and gene variants in cardiac myosin-binding protein C mutation carriers with hypertrophic cardiomyopathy. J Am Coll Cardiol. 2001 Aug;38(2):322-30. PMID: 11499719. Maron BJ et al. Development of left ventricular hypertrophy in adults in hypertrophic cardiomyopathy caused by cardiac myosin-binding protein C gene mutations. J Am Coll Cardiol. 2001 Aug;38(2):315-21. PMID: 11499718. Murphy SL et al. Evaluation of the Mayo Clinic Phenotype-Based Genotype Predictor Score in Patients with Clinically Diagnosed Hypertrophic Cardiomyopathy. J Cardiovasc Transl Res. 2016 Apr;9(2):153-61. PMID: 26914223. Van Driest SL et al. Myosin binding protein C mutations and compound heterozygosity in hypertrophic cardiomyopathy. J Am Coll Cardiol. 2004 Nov 2;44(9):1903-10. PMID: 15519027.

NM_000256.3(MYBPC3):c.821+1G>A

Gene: MYBPC3 (myosin binding protein C3; minus strand). Cytogenetic location: 11p11.2.
Variant type: single nucleotide variant.
Coding change: c.821+1G>A on transcript NM_000256.3 (MANE Select); the canonical splice donor site of the intron after coding-DNA position 821, G replaced by A.
Molecular consequence: splice donor variant.
Genome position (GRCh38, 1-based): chr11:47,347,856, C>T on the plus strand (G>A on the coding strand, the complement: MYBPC3 is on the minus strand). VCF-style: chr11-47347856-C-T. GRCh37 (hg19) VCF-style: chr11-47369407-C-T.
Identifiers: ClinVar variation 42791 (VCV000042791.99), dbSNP rs397516073, ClinGen allele CA015883.
Genomic context (GRCh38, chr11:47,347,856, plus strand): 5'-ACCCTGAAGGGCCTCAGACTCCAGCACTGGCCTCCCCCAGGCCCTGAGGATGGCCACTCA[C>T]GTGCGGCGGAAGGCTGATAGGAGGTCCAGGTCTCCGGTGCCCATGGCCTCTGGGTTCAAA-3'